The following is an entry in ClinVar:

NM_002230.4(JUP):c.512A>G (p.Lys171Arg)

Gene: JUP (junction plakoglobin; minus strand). Cytogenetic location: 17q21.2.
Variant type: single nucleotide variant.
Coding change: c.512A>G on transcript NM_002230.4 (MANE Select); coding-DNA position 512, A replaced by G.
Protein change: p.Lys171Arg; replaces lysine 171 with arginine.
Molecular consequence: missense variant.
Genome position (GRCh38, 1-based): chr17:41,769,164, T>C on the plus strand (A>G on the coding strand, the complement: JUP is on the minus strand). VCF-style: chr17-41769164-T-C. GRCh37 (hg19) VCF-style: chr17-39925416-T-C.
Other names: c.512A>G, p.Lys171Arg (NM_001352773.2, NM_001352774.2, NM_001352775.2 and 3 more transcripts); short protein forms K171R.
Identifiers: ClinVar variation 3287291 (VCV003287291.3).
Genomic context (GRCh38, chr17:41,769,164, plus strand): 5'-CGCACGACAGCGGCCACCAGCTGGGGCGAGCCCATCAGGGCCCGCCGCGACGCCTCCTTC[T>C]TCGACAGCTGGTTCACAATCATGGCCGCCTTGGTCACCACCACCTGGAGGGCAAAGGCAG-3'
Protein context (NP_002221.1, residues 161-181): KAAMIVNQLS[Lys171Arg]KEASRRALMG

ClinVar aggregate classification (germline): Uncertain significance. Review status: criteria provided, multiple submitters, no conflicts (2 of 4 stars). 2 submissions from 2 submitters: Uncertain significance (2). Last evaluated 2025-11-28.

Conditions:
Naxos disease (NXD). Also called: KERATOSIS PALMOPLANTARIS WITH ARRHYTHMOGENIC CARDIOMYOPATHY; MAL DE NAXOS; PALMOPLANTAR KERATODERMA WITH ARRHYTHMOGENIC RIGHT VENTRICULAR CARDIOMYOPATHY AND WOOLLY HAIR; WOOLLY HAIR, PALMOPLANTAR KERATODERMA, AND CARDIAC ABNORMALITIES; CARDIOMYOPATHY, ARRHYTHMOGENIC RIGHT VENTRICULAR, WITH SKIN, HAIR, AND NAIL ABNORMALITIES. Identifiers: Orphanet 34217, MedGen C1832600, MONDO:0011017, OMIM 601214.
Arrhythmogenic right ventricular dysplasia 12. Also called: ARRHYTHMOGENIC RIGHT VENTRICULAR DYSPLASIA, FAMILIAL, 12. Identifiers: MedGen C1969081, MONDO:0012684, OMIM 611528.
Cardiovascular phenotype. Identifiers: MedGen CN230736.

gnomAD v4.1: 5 of 1,604,500 alleles (0.00031%); highest among the groups gnomAD compares: Non-Finnish European, 0.00042%; no homozygotes.

Submissions (2):

Labcorp Genetics (formerly Invitae), Labcorp
Classification: Uncertain significance for Arrhythmogenic right ventricular dysplasia 12; Naxos disease. Last evaluated: 2025-11-28. Review status: criteria provided, single submitter. Criteria: Invitae Variant Classification Sherloc (09022015). Collection method: clinical testing. Allele origin: germline.
Comment: This sequence change replaces lysine, which is basic and polar, with arginine, which is basic and polar, at codon 171 of the JUP protein (p.Lys171Arg). This variant is not present in population databases (gnomAD no frequency). This variant has not been reported in the literature in individuals affected with JUP-related conditions. ClinVar contains an entry for this variant (Variation ID: 3287291). An algorithm developed to predict the effect of missense changes on protein structure and function (PolyPhen-2) suggests that this variant is likely to be tolerated. In summary, the available evidence is currently insufficient to determine the role of this variant in disease. Therefore, it has been classified as a Variant of Uncertain Significance.

Ambry Genetics
Classification: Uncertain significance for Cardiovascular phenotype. Last evaluated: 2024-04-12. Review status: criteria provided, single submitter. Criteria: Ambry Variant Classification Scheme 2023. Collection method: clinical testing. Allele origin: germline.
Comment: The p.K171R variant (also known as c.512A>G), located in coding exon 3 of the JUP gene, results from an A to G substitution at nucleotide position 512. The lysine at codon 171 is replaced by arginine, an amino acid with highly similar properties. This amino acid position is conserved. In addition, this alteration is predicted to be tolerated by in silico analysis. Based on the available evidence, the clinical significance of this variant remains unclear.